The following is an entry in ClinVar:

NM_002516.4(NOVA2):c.207C>T (p.Ser69=)

Gene: NOVA2 (NOVA alternative splicing regulator 2; minus strand). Cytogenetic location: 19q13.32.
Variant type: single nucleotide variant.
Coding change: c.207C>T on transcript NM_002516.4 (MANE Select); coding-DNA position 207, C replaced by T.
Protein change: p.Ser69=; no amino-acid change (serine 69 retained).
Molecular consequence: synonymous variant.
Genome position (GRCh38, 1-based): chr19:45,961,032, G>A on the plus strand (C>T on the coding strand, the complement: NOVA2 is on the minus strand). VCF-style: chr19-45961032-G-A. GRCh37 (hg19) VCF-style: chr19-46464290-G-A.
Identifiers: ClinVar variation 1694929 (VCV001694929.31), dbSNP rs993415441, ClinGen allele CA309045835.

ClinVar aggregate classification (germline): Likely benign (1 of 4 stars; one submission).

Allele frequency attached by ClinVar (database versions not stated): gnomAD 0.00001; gnomAD exomes 0.00001 and 0.00003; TOPMed 0.00001.

Submission:

CeGaT Center for Human Genetics Tuebingen
Classification: Likely benign. Last evaluated: 2022-06-01. Review status: criteria provided, single submitter. Criteria: CeGaT Center For Human Genetics Tuebingen Variant Classification Criteria Version 2. Collection method: clinical testing. Allele origin: germline. Affected: yes. Observed: 1 variant allele.
Comment: NOVA2: BP4, BP7